The following is an entry in ClinVar:

ClinVar aggregate classification (germline): Uncertain significance (1 of 4 stars; one submission).

Conditions:
Ataxia-telangiectasia syndrome (AT). Also called: Ataxia-telangiectasia; LOUIS-BAR SYNDROME; Ataxia-telangiectasia, complementation group D; AT, COMPLEMENTATION GROUP C; ATAXIA-TELANGIECTASIA, COMPLEMENTATION GROUP A; ATAXIA-TELANGIECTASIA, FRESNO VARIANT. Identifiers: Orphanet 100, MedGen C0004135, MONDO:0008840, OMIM 208900.

Submission:

Labcorp Genetics (formerly Invitae), Labcorp
Classification: Uncertain significance for Ataxia-telangiectasia syndrome. Last evaluated: 2021-10-15. Review status: criteria provided, single submitter. Criteria: Invitae Variant Classification Sherloc (09022015). Collection method: clinical testing. Allele origin: germline.
Comment: In summary, the available evidence is currently insufficient to determine the role of this variant in disease. Therefore, it has been classified as a Variant of Uncertain Significance. Advanced modeling of protein sequence and biophysical properties (such as structural, functional, and spatial information, amino acid conservation, physicochemical variation, residue mobility, and thermodynamic stability) performed at Invitae indicates that this missense variant is expected to disrupt ATM protein function. This variant has not been reported in the literature in individuals affected with ATM-related conditions. This variant is not present in population databases (ExAC no frequency). This sequence change replaces glycine with cysteine at codon 2706 of the ATM protein (p.Gly2706Cys). The glycine residue is highly conserved and there is a large physicochemical difference between glycine and cysteine.

NM_000051.4(ATM):c.8116G>T (p.Gly2706Cys)

Genes: ATM (ATM serine/threonine kinase; plus strand), C11orf65 (chromosome 11 open reading frame 65; minus strand). Cytogenetic location: 11q22.3.
Variant type: single nucleotide variant.
Coding change: c.8116G>T on transcript NM_000051.4 (MANE Select); coding-DNA position 8116, G replaced by T.
Protein change: p.Gly2706Cys; replaces glycine 2706 with cysteine.
Molecular consequence: missense variant. On other transcripts: intron variant (2).
Genome position (GRCh38, 1-based): chr11:108,335,074, G>T. VCF-style: chr11-108335074-G-T. GRCh37 (hg19) VCF-style: chr11-108205801-G-T.
Other names: c.8116G>T, p.Gly2706Cys (NM_001351834.2); c.641-26003C>A (NM_001330368.2); c.*38+146C>A (NM_001351110.2); short protein forms G2706C.
Identifiers: ClinVar variation 1439616 (VCV001439616.7), dbSNP rs2136662430, ClinGen allele CA382562148.